The following is an entry in ClinVar:

ClinVar aggregate classification (germline): Uncertain significance. Review status: criteria provided, multiple submitters, no conflicts (2 of 4 stars). 2 submissions from 2 submitters: Uncertain significance (2). Last evaluated 2024-11-18.

Conditions:
Inborn genetic diseases. Identifiers: MedGen C0950123, MeSH D030342.

Allele frequency attached by ClinVar (database versions not stated): ExAC 0.00002; TOPMed 0.00002; gnomAD 0.00004; gnomAD exomes 0.00004; ESP Exome Variant Server 0.00008.
gnomAD v4.1: 63 of 1,614,042 alleles (0.0039%); highest among the groups gnomAD compares: Non-Finnish European, 0.0052%; no homozygotes.

Submissions (2):

Ambry Genetics
Classification: Uncertain significance for Inborn genetic diseases. Last evaluated: 2024-11-18. Review status: criteria provided, single submitter. Criteria: Ambry Variant Classification Scheme 2023. Collection method: clinical testing. Allele origin: germline.
Comment: The p.G178E variant (also known as c.533G>A), located in coding exon 5 of the USB1 gene, results from a G to A substitution at nucleotide position 533. The glycine at codon 178 is replaced by glutamic acid, an amino acid with similar properties. This amino acid position is conserved. In addition, the in silico prediction for this alteration is inconclusive. Based on the available evidence, the clinical significance of this variant remains unclear.

Labcorp Genetics (formerly Invitae), Labcorp
Classification: Uncertain significance. Last evaluated: 2022-06-05. Review status: criteria provided, single submitter. Criteria: Invitae Variant Classification Sherloc (09022015). Collection method: clinical testing. Allele origin: germline.
Comment: This sequence change replaces glycine, which is neutral and non-polar, with glutamic acid, which is acidic and polar, at codon 178 of the USB1 protein (p.Gly178Glu). This variant is present in population databases (rs374426055, gnomAD 0.004%). This variant has not been reported in the literature in individuals affected with USB1-related conditions. Algorithms developed to predict the effect of missense changes on protein structure and function are either unavailable or do not agree on the potential impact of this missense change (SIFT: "Not Available"; PolyPhen-2: "Probably Damaging"; Align-GVGD: "Not Available"). In summary, the available evidence is currently insufficient to determine the role of this variant in disease. Therefore, it has been classified as a Variant of Uncertain Significance.

NM_024598.4(USB1):c.533G>A (p.Gly178Glu)

Gene: USB1 (U6 snRNA biogenesis phosphodiesterase 1; plus strand). Cytogenetic location: 16q21.
Variant type: single nucleotide variant.
Coding change: c.533G>A on transcript NM_024598.4 (MANE Select); coding-DNA position 533, G replaced by A.
Protein change: p.Gly178Glu; replaces glycine 178 with glutamic acid.
Molecular consequence: missense variant.
Genome position (GRCh38, 1-based): chr16:58,017,363, G>A. VCF-style: chr16-58017363-G-A. GRCh37 (hg19) VCF-style: chr16-58051267-G-A.
Other names: c.479G>A, p.Gly160Glu (NM_001195302.2); c.380G>A, p.Gly127Glu (NM_001330568.2); short protein forms G160E, G178E, G127E.
Identifiers: ClinVar variation 2081174 (VCV002081174.3), dbSNP rs374426055, ClinGen allele CA8084970.